The following is an entry in ClinVar:

ClinVar aggregate classification (germline): Uncertain significance (1 of 4 stars; one submission).

Conditions:
Hereditary cancer-predisposing syndrome. Also called: Neoplastic Syndromes, Hereditary; Tumor predisposition; Hereditary neoplastic syndrome; Hereditary Cancer Syndrome. Identifiers: Orphanet 140162, MedGen C0027672, MeSH D009386, MONDO:0015356.

Submission:

Ambry Genetics
Classification: Uncertain significance for Hereditary cancer-predisposing syndrome. Last evaluated: 2026-07-06. Review status: criteria provided, single submitter. Criteria: Ambry Variant Classification Scheme 2023. Collection method: clinical testing. Allele origin: germline.
Comment: The p.E168K variant (also known as c.502G>A), located in coding exon 4 of the FH gene, results from a G to A substitution at nucleotide position 502. The glutamic acid at codon 168 is replaced by lysine, an amino acid with similar properties. This amino acid position is conserved. In addition, the in silico prediction for this alteration is inconclusive. Based on the available evidence, the clinical significance of this variant remains unclear.

NM_000143.4(FH):c.502G>A (p.Glu168Lys)

Gene: FH (fumarate hydratase; minus strand). Cytogenetic location: 1q43.
Variant type: single nucleotide variant.
Coding change: c.502G>A on transcript NM_000143.4 (MANE Select); coding-DNA position 502, G replaced by A.
Protein change: p.Glu168Lys; replaces glutamic acid 168 with lysine.
Molecular consequence: missense variant.
Genome position (GRCh38, 1-based): chr1:241,512,020, C>T on the plus strand (G>A on the coding strand, the complement: FH is on the minus strand). VCF-style: chr1-241512020-C-T. GRCh37 (hg19) VCF-style: chr1-241675320-C-T.
Other names: short protein forms E168K.
Identifiers: ClinVar variation 5021728 (VCV005021728.1).